The following is an entry in ClinVar:

NM_004588.5(SCN2B):c.356C>T (p.Pro119Leu)

Gene: SCN2B (sodium voltage-gated channel beta subunit 2; minus strand). Cytogenetic location: 11q23.3.
Variant type: single nucleotide variant.
Coding change: c.356C>T on transcript NM_004588.5 (MANE Select); coding-DNA position 356, C replaced by T.
Protein change: p.Pro119Leu; replaces proline 119 with leucine.
Molecular consequence: missense variant.
Genome position (GRCh38, 1-based): chr11:118,168,177, G>A on the plus strand (C>T on the coding strand, the complement: SCN2B is on the minus strand). VCF-style: chr11-118168177-G-A. GRCh37 (hg19) VCF-style: chr11-118038892-G-A.
Other names: short protein forms P119L.
Identifiers: ClinVar variation 510700 (VCV000510700.13), dbSNP rs767589740, ClinGen allele CA6300474.
Genomic context (GRCh38, chr11:118,168,177, plus strand): 5'-TGGCCACGGTGGCGGTCAGGGGGGTTCATGATGTAGCAGTTGTAAATCCCCTCATCCTCC[G>A]GCTGCACGTTTCTCAGCATCACCGACACATCGTACTTGCTGGGGTTCCCTGAGAACTCCA-3'
Protein context (NP_004579.1, residues 109-129): DVSVMLRNVQ[Pro119Leu]EDEGIYNCYI

ClinVar aggregate classification (germline): Likely benign. Review status: criteria provided, multiple submitters, no conflicts (2 of 4 stars). 4 submissions from 4 submitters: Likely benign (4). Last evaluated 2026-01-10.

Conditions:
Cardiovascular phenotype. Identifiers: MedGen CN230736.
Atrial fibrillation, familial, 14 (ATFB14). Identifiers: MedGen C3809312, MONDO:0014156, OMIM 615378.

Allele frequency attached by ClinVar (database versions not stated): gnomAD 0.00004 and 0.00009; TOPMed 0.00006; gnomAD exomes 0.00016; ExAC 0.00019.
gnomAD v4.1: 148 of 1,614,036 alleles (0.0092%); highest among the groups gnomAD compares: South Asian, 0.12%; 2 homozygotes.

Submissions (4):

Labcorp Genetics (formerly Invitae), Labcorp
Classification: Likely benign for Atrial fibrillation, familial, 14. Last evaluated: 2026-01-10. Review status: criteria provided, single submitter. Criteria: Invitae Variant Classification Sherloc (09022015). Collection method: clinical testing. Allele origin: germline.

Women's Health and Genetics/Laboratory Corporation of America, LabCorp
Classification: Likely benign. Last evaluated: 2024-01-08. Review status: criteria provided, single submitter. Criteria: LabCorp Variant Classification Summary - May 2015. Collection method: clinical testing. Allele origin: germline.

GeneDx
Classification: Likely benign. Last evaluated: 2017-07-12. Review status: criteria provided, single submitter. Criteria: GeneDx Variant Classification (06012015). Collection method: clinical testing. Allele origin: germline. Affected: yes.
Comment: This variant is considered likely benign or benign based on one or more of the following criteria: it is a conservative change, it occurs at a poorly conserved position in the protein, it is predicted to be benign by multiple in silico algorithms, and/or has population frequency not consistent with disease.

Ambry Genetics
Classification: Likely benign for Cardiovascular phenotype. Last evaluated: 2017-05-26. Review status: criteria provided, single submitter. Criteria: Ambry Variant Classification Scheme 2023. Collection method: clinical testing. Allele origin: germline.